The following is an entry in ClinVar:

NM_013328.4(PYCR2):c.402_403del (p.Tyr135fs)

Gene: PYCR2 (pyrroline-5-carboxylate reductase 2; minus strand). Cytogenetic location: 1q42.12.
Variant type: Microsatellite.
Coding change: c.402_403del on transcript NM_013328.4 (MANE Select); coding-DNA positions 402 to 403, 2 bases deleted (GT; older notation c.402_403delGT).
Protein change: p.Tyr135fs; shifts the reading frame from tyrosine 135.
Molecular consequence: frameshift variant. On other transcripts: intron variant (1).
Genome position (GRCh38, 1-based): chr1:225,921,995-225,921,996, AC deleted on the plus strand (GT on the coding strand, the reverse complement: PYCR2 is on the minus strand); deleting any 2 consecutive bases within chr1:225,921,995-225,921,998 gives the same sequence; the c. name uses the placement nearest the transcript's 3' end. VCF-style (leftmost placement, unchanged base first): chr1-225921994-TAC-T. GRCh37 (hg19) VCF-style: chr1-226109694-TAC-T.
Other names: c.318+208_318+209del (NM_001271681.2); short protein forms Y135fs.
Identifiers: ClinVar variation 929953 (VCV000929953.4), dbSNP rs1671854739, ClinGen allele CA1139656606.

ClinVar aggregate classification (germline): Likely pathogenic (1 of 4 stars; one submission).

Conditions:
Leukodystrophy, hypomyelinating, 10. Also called: PYCR2-related microcephaly-progressive leukoencephalopathy. Identifiers: Orphanet 481152, MedGen C4225332, MONDO:0014632, OMIM 616420.

Submission:

Laboratory for Molecular Medicine, Mass General Brigham Personalized Medicine
Classification: Likely pathogenic for Leukodystrophy, hypomyelinating, 10. Last evaluated: 2020-01-02. Review status: criteria provided, single submitter. Criteria: LMM Criteria. Collection method: clinical testing. Allele origin: germline. Inheritance: Autosomal recessive inheritance. Observed: 1 variant allele.
Comment: The p.Tyr135ArgfsX26 variant in PYCR2 has not been previously reported in individuals with hypomyelinating leukodystrophy and was absent from large population studies. This variant is predicted to cause a frameshift, which alters the proteinâ€™s amino acid sequence beginning at position 135 and leads to a premature termination codon 26 amino acids downstream. This alteration is then predicted to lead to a truncated or absent protein. Loss of function of the PYCR2 gene is associated with autosomal recessive hypomyelinating leukodystrophy. In summary, although additional studies are required to fully establish its clinical significance, this variant meets criteria to be classified as likely pathogenic for autosomal recessive hypomyelinating leukodystrophy. ACMG/AMP Criteria applied: PM2, PVS1_S.